The following is an entry in ClinVar:

ClinVar aggregate classification (germline): Uncertain significance. Review status: criteria provided, multiple submitters, no conflicts (2 of 4 stars). 2 submissions from 2 submitters: Uncertain significance (2). Last evaluated 2025-03-12.

Conditions:
Nemaline myopathy 2 (NEM2). Also called: Nemaline myopathy 2, autosomal recessive. Identifiers: MedGen C1850569, MONDO:0009725, OMIM 256030.
Nemaline myopathy. Also called: Myopathies, Nemaline. Identifiers: Orphanet 607, MedGen C0206157, MONDO:0018958.

Allele frequency attached by ClinVar (database versions not stated): ExAC 0.00002; TOPMed 0.00002; gnomAD 0.00004; ESP Exome Variant Server 0.00017.
gnomAD v4.1: 48 of 1,613,608 alleles (0.003%); highest among the groups gnomAD compares: Non-Finnish European, 0.0037%; no homozygotes.

Submissions (2):

Broad Center for Mendelian Genomics, Broad Institute of MIT and Harvard
Classification: Uncertain significance for Nemaline myopathy. Last evaluated: 2025-03-12. Review status: criteria provided, single submitter. Criteria: ACMG Guidelines, 2015. Collection method: curation. Allele origin: germline. Inheritance: Autosomal recessive inheritance.
Comment: The p.Ile4021Thr variant in NEB has not been previously reported in the literature in individuals with nemaline myopathy, but has been identified in 0.004% (44/1179796) of European (non-Finnish) chromosomes by the Genome Aggregation Database (gnomAD; dbSNP ID: rs370068571). Although this variant has been seen in the general population in a heterozygous state, its frequency is low enough to be consistent with a recessive carrier frequency. This variant has also been reported in ClinVar (Variation ID: 1519031) and has been interpreted as a variant of uncertain significance by Invitae. Computational prediction tools and conservation analyses do not provide strong support for or against an impact to the protein. In summary, the clinical significance of the p.Ile4021Thr variant is uncertain. ACMG/AMP Criteria applied: PM2_supporting (Richards 2015).

Labcorp Genetics (formerly Invitae), Labcorp
Classification: Uncertain significance for Nemaline myopathy 2. Last evaluated: 2024-01-17. Review status: criteria provided, single submitter. Criteria: Invitae Variant Classification Sherloc (09022015). Collection method: clinical testing. Allele origin: germline.
Comment: This sequence change replaces isoleucine, which is neutral and non-polar, with threonine, which is neutral and polar, at codon 4021 of the NEB protein (p.Ile4021Thr). This variant is present in population databases (rs370068571, gnomAD 0.006%). This variant has not been reported in the literature in individuals affected with NEB-related conditions. ClinVar contains an entry for this variant (Variation ID: 1519031). Experimental studies and prediction algorithms are not available or were not evaluated, and the functional significance of this variant is currently unknown. In summary, the available evidence is currently insufficient to determine the role of this variant in disease. Therefore, it has been classified as a Variant of Uncertain Significance.

NM_001164508.2(NEB):c.12062T>C (p.Ile4021Thr)

Gene: NEB (nebulin; minus strand). Cytogenetic location: 2q23.3.
Variant type: single nucleotide variant.
Coding change: c.12062T>C on transcript NM_001164508.2 (MANE Select); coding-DNA position 12062, T replaced by C.
Protein change: p.Ile4021Thr; replaces isoleucine 4021 with threonine.
Molecular consequence: missense variant.
Genome position (GRCh38, 1-based): chr2:151,610,077, A>G on the plus strand (T>C on the coding strand, the complement: NEB is on the minus strand). VCF-style: chr2-151610077-A-G. GRCh37 (hg19) VCF-style: chr2-152466591-A-G.
Other names: NM_001164508.2(NEB):c.12062T>C; p.Ile4021Thr; c.12062T>C, p.Ile4021Thr (NM_001271208.2, NM_001164507.2); c.11333T>C, p.Ile3778Thr (NM_004543.5); short protein forms I4021T, I3778T.
Identifiers: ClinVar variation 1519031 (VCV001519031.5), dbSNP rs370068571, ClinGen allele CA1908588.